The following is an entry in ClinVar:

NM_003995.4(NPR2):c.14C>A (p.Ser5Ter)

Gene: NPR2 (natriuretic peptide receptor 2; plus strand). Cytogenetic location: 9p13.3.
Variant type: single nucleotide variant.
Coding change: c.14C>A on transcript NM_003995.4 (MANE Select); coding-DNA position 14, C replaced by A.
Protein change: p.Ser5Ter; replaces serine 5 with a stop codon.
Molecular consequence: nonsense.
Genome position (GRCh38, 1-based): chr9:35,792,422, C>A. VCF-style: chr9-35792422-C-A. GRCh37 (hg19) VCF-style: chr9-35792419-C-A.
Other names: short protein forms S5*.
Identifiers: ClinVar variation 870612 (VCV000870612.3), dbSNP rs749952755, ClinGen allele CA373361021.

ClinVar aggregate classification (germline): Pathogenic (0 of 4 stars; one submission).

Conditions:
Acromesomelic dysplasia 1, Maroteaux type (AMD1). Also called: ACROMESOMELIC DYSPLASIA 1; ST. HELENA DYSPLASIA. Identifiers: Orphanet 40, MedGen C1864356, MONDO:0011275, OMIM 602875.

Submission:

Hacettepe Genetic Diseases Diagnosis Center, Hacettepe University Faculty of Medicine
Classification: Pathogenic for Acromesomelic dysplasia 1, Maroteaux type. Last evaluated: 2020-04-20. Review status: no assertion criteria provided. Collection method: clinical testing. Allele origin: germline. Inheritance: Autosomal recessive inheritance. Affected: yes. Observed: 1 homozygote.
Comment: On physical examination, dolichocephaly, a prominent forehead, depressed nasal root with a bulbous nose, down-slanted palpebral fissures, short limbs, and brachydactyly were noted. This variant was neither reported in ExAC nor gnomAD databases. This variant was classified as pathogenic according to the ACMG Guidelines and predicted to be disease causing by in silico analysis such as MutationTaster.